The following is an entry in ClinVar:

ClinVar aggregate classification (germline): Likely benign (1 of 4 stars; one submission).

Submission:

CeGaT Center for Human Genetics Tuebingen
Classification: Likely benign. Last evaluated: 2024-12-01. Review status: criteria provided, single submitter. Criteria: CeGaT Center For Human Genetics Tuebingen Variant Classification Criteria Version 2. Collection method: clinical testing. Allele origin: germline. Affected: yes. Observed: 1 variant allele.
Comment: VWA1: BP4, BP7

NM_022834.5(VWA1):c.309T>C (p.Ala103=)

Gene: VWA1 (von Willebrand factor A domain containing 1; plus strand). Cytogenetic location: 1p36.33.
Variant type: single nucleotide variant.
Coding change: c.309T>C on transcript NM_022834.5 (MANE Select); coding-DNA position 309, T replaced by C.
Protein change: p.Ala103=; no amino-acid change (alanine 103 retained).
Molecular consequence: synonymous variant. On other transcripts: intron variant (1).
Genome position (GRCh38, 1-based): chr1:1,437,162, T>C. VCF-style: chr1-1437162-T-C. GRCh37 (hg19) VCF-style: chr1-1372542-T-C.
Other names: c.74-160T>C (NM_199121.3).
Identifiers: ClinVar variation 3771388 (VCV003771388.13).